The following is an entry in ClinVar:

ClinVar aggregate classification (germline): Uncertain significance (1 of 4 stars; one submission).

Allele frequency attached by ClinVar (database versions not stated): gnomAD exomes below 0.00001.
gnomAD v4.1: 2 of 1,614,096 alleles (0.00012%); highest among the groups gnomAD compares: Non-Finnish European, 0.00017%; no homozygotes.

Submission:

Labcorp Genetics (formerly Invitae), Labcorp
Classification: Uncertain significance. Last evaluated: 2022-06-11. Review status: criteria provided, single submitter. Criteria: Invitae Variant Classification Sherloc (09022015). Collection method: clinical testing. Allele origin: germline.
Comment: In summary, the available evidence is currently insufficient to determine the role of this variant in disease. Therefore, it has been classified as a Variant of Uncertain Significance. Algorithms developed to predict the effect of missense changes on protein structure and function are either unavailable or do not agree on the potential impact of this missense change (SIFT: "Not Available"; PolyPhen-2: "Probably Damaging"; Align-GVGD: "Not Available"). This variant has not been reported in the literature in individuals affected with CEP250-related conditions. This variant is not present in population databases (gnomAD no frequency). This sequence change replaces leucine, which is neutral and non-polar, with valine, which is neutral and non-polar, at codon 1360 of the CEP250 protein (p.Leu1360Val).

NM_007186.6(CEP250):c.4078C>G (p.Leu1360Val)

Gene: CEP250 (centrosomal protein 250; plus strand). Cytogenetic location: 20q11.22.
Variant type: single nucleotide variant.
Coding change: c.4078C>G on transcript NM_007186.6 (MANE Select); coding-DNA position 4078, C replaced by G.
Protein change: p.Leu1360Val; replaces leucine 1360 with valine.
Molecular consequence: missense variant.
Genome position (GRCh38, 1-based): chr20:35,502,447, C>G. VCF-style: chr20-35502447-C-G. GRCh37 (hg19) VCF-style: chr20-34090275-C-G.
Other names: c.2182C>G, p.Leu728Val (NM_001318219.1); short protein forms L1360V, L728V.
Identifiers: ClinVar variation 1931920 (VCV001931920.5), dbSNP rs1568830109, ClinGen allele CA408747135.